The following is an entry in ClinVar:

NM_001083961.2(WDR62):c.2276T>C (p.Ile759Thr)

Gene: WDR62 (WD repeat domain 62; plus strand). Cytogenetic location: 19q13.12.
Variant type: single nucleotide variant.
Coding change: c.2276T>C on transcript NM_001083961.2 (MANE Select); coding-DNA position 2276, T replaced by C.
Protein change: p.Ile759Thr; replaces isoleucine 759 with threonine.
Molecular consequence: missense variant.
Genome position (GRCh38, 1-based): chr19:36,092,754, T>C. VCF-style: chr19-36092754-T-C. GRCh37 (hg19) VCF-style: chr19-36583656-T-C.
Other names: c.2276T>C, p.Ile759Thr (NM_173636.5); c.2276T>C (NM_001083961.1); short protein forms I759T.
Identifiers: ClinVar variation 1486179 (VCV001486179.8), dbSNP rs1489369893, ClinGen allele CA405444101.

ClinVar aggregate classification (germline): Uncertain significance. Review status: criteria provided, multiple submitters, no conflicts (2 of 4 stars). 2 submissions from 2 submitters: Uncertain significance (2). Last evaluated 2025-05-05.

Conditions:
Inborn genetic diseases. Identifiers: MedGen C0950123, MeSH D030342.

Allele frequency attached by ClinVar (database versions not stated): gnomAD 0.00001 and 0.00002; TOPMed 0.00001.
gnomAD v4.1: 17 of 1,613,934 alleles (0.0011%); highest among the groups gnomAD compares: African/African-American, 0.0013%; no homozygotes.

Submissions (2):

Ambry Genetics
Classification: Uncertain significance for Inborn genetic diseases. Last evaluated: 2025-05-05. Review status: criteria provided, single submitter. Criteria: Ambry Variant Classification Scheme 2023. Collection method: clinical testing. Allele origin: germline.

Labcorp Genetics (formerly Invitae), Labcorp
Classification: Uncertain significance. Last evaluated: 2025-04-21. Review status: criteria provided, single submitter. Criteria: Invitae Variant Classification Sherloc (09022015). Collection method: clinical testing. Allele origin: germline.
Comment: This sequence change replaces isoleucine, which is neutral and non-polar, with threonine, which is neutral and polar, at codon 759 of the WDR62 protein (p.Ile759Thr). This variant is present in population databases (no rsID available, gnomAD 0.01%). This variant has not been reported in the literature in individuals affected with WDR62-related conditions. ClinVar contains an entry for this variant (Variation ID: 1486179). Invitae Evidence Modeling of protein sequence and biophysical properties (such as structural, functional, and spatial information, amino acid conservation, physicochemical variation, residue mobility, and thermodynamic stability) indicates that this missense variant is not expected to disrupt WDR62 protein function with a negative predictive value of 80%. In summary, the available evidence is currently insufficient to determine the role of this variant in disease. Therefore, it has been classified as a Variant of Uncertain Significance.